The following is an entry in ClinVar:

ClinVar aggregate classification (germline): Pathogenic (1 of 4 stars; one submission).

gnomAD v4.1: 1 of 1,614,130 alleles (0.000062%); highest among the groups gnomAD compares: Non-Finnish European, 0.000085%; no homozygotes.

Submission:

Labcorp Genetics (formerly Invitae), Labcorp
Classification: Pathogenic. Last evaluated: 2025-03-13. Review status: criteria provided, single submitter. Criteria: Invitae Variant Classification Sherloc (09022015). Collection method: clinical testing. Allele origin: germline.
Comment: This sequence change creates a premature translational stop signal (p.Ser1050*) in the TET2 gene. It is expected to result in an absent or disrupted protein product. Loss-of-function variants in TET2 are known to be pathogenic (PMID: 36066697). This variant is not present in population databases (gnomAD no frequency). This variant has not been reported in the literature in individuals affected with TET2-related conditions. For these reasons, this variant has been classified as Pathogenic.

Literature cited by the submitters: PubMed 36066697.

NM_001127208.3(TET2):c.3149C>A (p.Ser1050Ter)

Genes: TET2 (tet methylcytosine dioxygenase 2; plus strand), TET2-AS1 (TET2 antisense RNA 1; minus strand). Cytogenetic location: 4q24.
Variant type: single nucleotide variant.
Coding change: c.3149C>A on transcript NM_001127208.3 (MANE Select); coding-DNA position 3149, C replaced by A.
Protein change: p.Ser1050Ter; replaces serine 1050 with a stop codon.
Molecular consequence: nonsense.
Genome position (GRCh38, 1-based): chr4:105,237,091, C>A. VCF-style: chr4-105237091-C-A. GRCh37 (hg19) VCF-style: chr4-106158248-C-A.
Other names: c.3149C>A, p.Ser1050Ter (NM_017628.4); short protein forms S1050*.
Identifiers: ClinVar variation 3651863 (VCV003651863.2).